The following is an entry in ClinVar:

ClinVar aggregate classification (germline): Uncertain significance. Review status: criteria provided, multiple submitters, no conflicts (2 of 4 stars). 2 submissions from 2 submitters: Uncertain significance (2). Last evaluated 2025-02-19.

Conditions:
Inborn genetic diseases. Identifiers: MedGen C0950123, MeSH D030342.

Allele frequency attached by ClinVar (database versions not stated): gnomAD exomes 0.00001 and 0.00002; ExAC 0.00002.
gnomAD v4.1: 23 of 1,612,466 alleles (0.0014%); highest among the groups gnomAD compares: Admixed American, 0.013%; no homozygotes.

Submissions (2):

Ambry Genetics
Classification: Uncertain significance for Inborn genetic diseases. Last evaluated: 2025-02-19. Review status: criteria provided, single submitter. Criteria: Ambry Variant Classification Scheme 2023. Collection method: clinical testing. Allele origin: germline.

Labcorp Genetics (formerly Invitae), Labcorp
Classification: Uncertain significance. Last evaluated: 2021-08-31. Review status: criteria provided, single submitter. Criteria: Invitae Variant Classification Sherloc (09022015). Collection method: clinical testing. Allele origin: germline.
Comment: This sequence change replaces threonine with isoleucine at codon 678 of the MPDZ protein (p.Thr678Ile). The threonine residue is moderately conserved and there is a moderate physicochemical difference between threonine and isoleucine. This variant is present in population databases (rs757519973, ExAC 0.002%). This variant has not been reported in the literature in individuals affected with MPDZ-related conditions. Algorithms developed to predict the effect of missense changes on protein structure and function are either unavailable or do not agree on the potential impact of this missense change (SIFT: "Deleterious"; PolyPhen-2: "Benign"; Align-GVGD: "Class C15"). In summary, the available evidence is currently insufficient to determine the role of this variant in disease. Therefore, it has been classified as a Variant of Uncertain Significance.

NM_001378778.1(MPDZ):c.2033C>T (p.Thr678Ile)

Gene: MPDZ (multiple PDZ domain crumbs cell polarity complex component; minus strand). Cytogenetic location: 9p23.
Variant type: single nucleotide variant.
Coding change: c.2033C>T on transcript NM_001378778.1 (MANE Select); coding-DNA position 2033, C replaced by T.
Protein change: p.Thr678Ile; replaces threonine 678 with isoleucine.
Molecular consequence: missense variant.
Genome position (GRCh38, 1-based): chr9:13,190,235, G>A on the plus strand (C>T on the coding strand, the complement: MPDZ is on the minus strand). VCF-style: chr9-13190235-G-A. GRCh37 (hg19) VCF-style: chr9-13190234-G-A.
Other names: c.2033C>T, p.Thr678Ile (NM_001261406.2, NM_001261407.2, NM_001330637.2 and 14 more transcripts); c.2033C>T (NM_003829.3); short protein forms T678I.
Identifiers: ClinVar variation 1399625 (VCV001399625.6), dbSNP rs757519973, ClinGen allele CA4987583.